The following is an entry in ClinVar:

NM_181776.3(SLC36A2):c.805_811dup (p.Thr271fs)

Gene: SLC36A2 (solute carrier family 36 member 2; minus strand). Cytogenetic location: 5q33.1.
Variant type: Duplication.
Coding change: c.805_811dup on transcript NM_181776.3 (MANE Select); coding-DNA positions 805 to 811, 7 bases duplicated (TTCGGAA; older notation c.805_811dupTTCGGAA).
Protein change: p.Thr271fs; shifts the reading frame from threonine 271.
Molecular consequence: frameshift variant.
Genome position (GRCh38, 1-based): chr5:151,333,256-151,333,262, TTCCGAA duplicated on the plus strand (TTCGGAA on the coding strand, the reverse complement: SLC36A2 is on the minus strand). VCF-style (leftmost placement, unchanged base first): chr5-151333255-G-GTTCCGAA. GRCh37 (hg19) VCF-style: chr5-150712816-G-GTTCCGAA.
Other names: short protein forms T271fs.
Identifiers: ClinVar variation 2097534 (VCV002097534.5), dbSNP rs2531927401, ClinGen allele CA2580073901.

ClinVar aggregate classification (germline): Uncertain significance. Review status: criteria provided, multiple submitters, no conflicts (2 of 4 stars). 2 submissions from 2 submitters: Uncertain significance (2). Last evaluated 2023-01-17.

Submissions (2):

Blueprint Genetics
Classification: Uncertain significance. Last evaluated: 2023-01-17. Review status: criteria provided, single submitter. Criteria: ACMG Guidelines, 2015. Collection method: clinical testing. Allele origin: germline.

Labcorp Genetics (formerly Invitae), Labcorp
Classification: Uncertain significance. Last evaluated: 2022-09-14. Review status: criteria provided, single submitter. Criteria: Invitae Variant Classification Sherloc (09022015). Collection method: clinical testing. Allele origin: germline.
Comment: This sequence change creates a premature translational stop signal (p.Thr271Ilefs*9) in the SLC36A2 gene. It is expected to result in an absent or disrupted protein product. However, the current clinical and genetic evidence is not sufficient to establish whether loss-of-function variants in SLC36A2 cause disease. This variant is not present in population databases (gnomAD no frequency). This variant has not been reported in the literature in individuals affected with SLC36A2-related conditions. In summary, the available evidence is currently insufficient to determine the role of this variant in disease. Therefore, it has been classified as a Variant of Uncertain Significance.